The following is an entry in ClinVar:

NM_001256071.3(RNF213):c.5335A>G (p.Arg1779Gly)

Gene: RNF213 (ring finger protein 213; plus strand). Cytogenetic location: 17q25.3.
Variant type: single nucleotide variant.
Coding change: c.5335A>G on transcript NM_001256071.3 (MANE Select); coding-DNA position 5335, A replaced by G.
Protein change: p.Arg1779Gly; replaces arginine 1779 with glycine.
Molecular consequence: missense variant.
Genome position (GRCh38, 1-based): chr17:80,339,702, A>G. VCF-style: chr17-80339702-A-G. GRCh37 (hg19) VCF-style: chr17-78313502-A-G.
Other names: c.5482A>G, p.Arg1828Gly (NM_001410195.1, NM_020914.5); short protein forms R1779G, R1828G.
Identifiers: ClinVar variation 4809769 (VCV004809769.1).

ClinVar aggregate classification (germline): Uncertain significance (1 of 4 stars; one submission).

Submission:

Labcorp Genetics (formerly Invitae), Labcorp
Classification: Uncertain significance. Last evaluated: 2025-02-27. Review status: criteria provided, single submitter. Criteria: Invitae Variant Classification Sherloc (09022015). Collection method: clinical testing. Allele origin: germline.
Comment: This sequence change replaces arginine, which is basic and polar, with glycine, which is neutral and non-polar, at codon 1779 of the RNF213 protein (p.Arg1779Gly). This variant is not present in population databases (gnomAD no frequency). This variant has not been reported in the literature in individuals affected with RNF213-related conditions. Invitae Evidence Modeling of protein sequence and biophysical properties (such as structural, functional, and spatial information, amino acid conservation, physicochemical variation, residue mobility, and thermodynamic stability) indicates that this missense variant is not expected to disrupt RNF213 protein function with a negative predictive value of 95%. In summary, the available evidence is currently insufficient to determine the role of this variant in disease. Therefore, it has been classified as a Variant of Uncertain Significance.